The following is an entry in ClinVar:

ClinVar aggregate classification (germline): Likely benign. Review status: criteria provided, multiple submitters, no conflicts (2 of 4 stars). 3 submissions from 3 submitters: Likely benign (3). Last evaluated 2025-01-25.

Conditions:
KIF1A-related disorder. Also called: KIF1A-related disorders; KIF1A-related condition.
Inborn genetic diseases. Identifiers: MedGen C0950123, MeSH D030342.
Hereditary spastic paraplegia 30. Identifiers: Orphanet 101010, MedGen C5235139, MONDO:0012476.
Neuropathy, hereditary sensory, type 2C. Also called: KIF1A-Related HSAN2 (HSAN2C); Hereditary sensory and autonomic neuropathy type IIC. Identifiers: Orphanet 970, MedGen C3280168, MONDO:0013634, OMIM 614213.
Intellectual disability, autosomal dominant 9 (NESCAVS). Also called: NESCAV SYNDROME; KIF1A-Related Neurodevelopmental Disorder. Identifiers: Orphanet 662367, MedGen C5393830, MONDO:0013656, OMIM 614255.

Allele frequency attached by ClinVar (database versions not stated): gnomAD exomes 0.00001; TOPMed 0.00001.
gnomAD v4.1: 7 of 1,563,328 alleles (0.00045%); highest among the groups gnomAD compares: Non-Finnish European, 0.00061%; no homozygotes.

Submissions (3):

PreventionGenetics, part of Exact Sciences
Classification: Likely benign for KIF1A-related condition. Last evaluated: 2025-01-25. Review status: criteria provided, single submitter. Criteria: ACMG Guidelines, 2015. Collection method: clinical testing. Allele origin: germline.
Comment: This variant is classified as likely benign based on ACMG/AMP sequence variant interpretation guidelines (Richards et al. 2015 PMID: 25741868, with internal and published modifications).

Labcorp Genetics (formerly Invitae), Labcorp
Classification: Likely benign for Hereditary spastic paraplegia 30; Neuropathy, hereditary sensory, type 2C; Intellectual disability, autosomal dominant 9. Last evaluated: 2022-04-19. Review status: criteria provided, single submitter. Criteria: Invitae Variant Classification Sherloc (09022015). Collection method: clinical testing. Allele origin: germline.

Ambry Genetics
Classification: Likely benign for Inborn genetic diseases. Last evaluated: 2019-07-11. Review status: criteria provided, single submitter. Criteria: Ambry Variant Classification Scheme 2023. Collection method: clinical testing. Allele origin: germline.

NM_001244008.2(KIF1A):c.4509G>A (p.Glu1503=)

Gene: KIF1A (kinesin family member 1A; minus strand). Cytogenetic location: 2q37.3.
Variant type: single nucleotide variant.
Coding change: c.4509G>A on transcript NM_001244008.2 (MANE Select); coding-DNA position 4509, G replaced by A.
Protein change: p.Glu1503=; no amino-acid change (glutamic acid 1503 retained).
Molecular consequence: synonymous variant.
Genome position (GRCh38, 1-based): chr2:240,722,612, C>T on the plus strand (G>A on the coding strand, the complement: KIF1A is on the minus strand). VCF-style: chr2-240722612-C-T. GRCh37 (hg19) VCF-style: chr2-241662029-C-T.
Other names: c.4509G>A (NM_001244008.1); c.4233G>A, p.Glu1411= (NM_001320705.2, NM_001379649.1); c.4260G>A, p.Glu1420= (NM_001330289.2); c.4308G>A, p.Glu1436= (NM_001330290.2, NM_001379648.1); c.4584G>A, p.Glu1528= (NM_001379631.1); c.4485G>A, p.Glu1495= (NM_001379632.1); c.4482G>A, p.Glu1494= (NM_001379633.1, NM_001379645.1); c.4335G>A, p.Glu1445= (NM_001379634.1); and 8 more.
Identifiers: ClinVar variation 532880 (VCV000532880.12), dbSNP rs1229202517, ClinGen allele CA432016206.